The following is an entry in ClinVar:

ClinVar aggregate classification (germline): Uncertain significance (1 of 4 stars; one submission).

Conditions:
Neuronal ceroid lipofuscinosis 11. Also called: GRN-Related Neuronal Ceroid-Lipofuscinosis. Identifiers: Orphanet 314629, Orphanet 79262, MedGen C3539123, MONDO:0013866, OMIM 614706.
GRN-related frontotemporal lobar degeneration with Tdp43 inclusions (FTD2). Also called: DEMENTIA, HEREDITARY DYSPHASIC DISINHIBITION; FRONTOTEMPORAL LOBAR DEGENERATION WITH UBIQUITIN-POSITIVE INCLUSIONS; FTLD-TDP, GRN-RELATED; FRONTOTEMPORAL DEMENTIA WITH TDP43 INCLUSIONS, GRN-RELATED; GRN Frontotemporal Dementia. Identifiers: Orphanet 100070, Orphanet 282, MedGen C1843792, MONDO:0011842, OMIM 607485. Disease mechanism: loss of function.

Submission:

Labcorp Genetics (formerly Invitae), Labcorp
Classification: Uncertain significance for Neuronal ceroid lipofuscinosis 11; GRN-related frontotemporal lobar degeneration with Tdp43 inclusions. Last evaluated: 2025-09-24. Review status: criteria provided, single submitter. Criteria: Invitae Variant Classification Sherloc (09022015). Collection method: clinical testing. Allele origin: germline.
Comment: This sequence change replaces serine, which is neutral and polar, with arginine, which is basic and polar, at codon 38 of the GRN protein (p.Ser38Arg). This variant is not present in population databases (gnomAD no frequency). This variant has not been reported in the literature in individuals affected with GRN-related conditions. An algorithm developed to predict the effect of missense changes on protein structure and function (PolyPhen-2) suggests that this variant is likely to be tolerated. Algorithms developed to predict the effect of sequence changes on RNA splicing suggest that this variant may disrupt the consensus splice site. In summary, the available evidence is currently insufficient to determine the role of this variant in disease. Therefore, it has been classified as a Variant of Uncertain Significance.

NM_002087.4(GRN):c.114C>G (p.Ser38Arg)

Gene: GRN (granulin precursor; plus strand). Cytogenetic location: 17q21.31.
Variant type: single nucleotide variant.
Coding change: c.114C>G on transcript NM_002087.4 (MANE Select); coding-DNA position 114, C replaced by G.
Protein change: p.Ser38Arg; replaces serine 38 with arginine.
Molecular consequence: missense variant.
Genome position (GRCh38, 1-based): chr17:44,349,278, C>G. VCF-style: chr17-44349278-C-G. GRCh37 (hg19) VCF-style: chr17-42426646-C-G.
Other names: short protein forms S38R.
Identifiers: ClinVar variation 4783301 (VCV004783301.1).